The following is an entry in ClinVar:

NM_006393.3(NEBL):c.451G>A (p.Ala151Thr)

Gene: NEBL (nebulette; minus strand). Cytogenetic location: 10p12.31.
Variant type: single nucleotide variant.
Coding change: c.451G>A on transcript NM_006393.3 (MANE Select); coding-DNA position 451, G replaced by A.
Protein change: p.Ala151Thr; replaces alanine 151 with threonine.
Molecular consequence: missense variant. On other transcripts: intron variant (9).
Genome position (GRCh38, 1-based): chr10:20,880,823, C>T on the plus strand (G>A on the coding strand, the complement: NEBL is on the minus strand). VCF-style: chr10-20880823-C-T. GRCh37 (hg19) VCF-style: chr10-21169752-C-T.
Other names: c.250-67883G>A (NM_001377326.1, NM_001377327.1, NM_001377328.1); c.358-67883G>A (NM_213569.2, NM_001173484.2, NM_001377322.1); c.301-67883G>A (NM_001377324.1); c.292-67883G>A (NM_001377325.1); c.310-67883G>A (NM_001377323.1); short protein forms A151T.
Identifiers: ClinVar variation 1721795 (VCV001721795.6), dbSNP rs2492437743, ClinGen allele CA376104485.

ClinVar aggregate classification (germline): Uncertain significance (1 of 4 stars; one submission).

Conditions:
Primary dilated cardiomyopathy (DCM). Also called: Dilated Cardiomyopathy. Identifiers: Orphanet 217604, MedGen C0007193, MeSH D002311, MONDO:0005021, HP:0001644. Inheritance: Various modes of inheritance.

Allele frequency attached by ClinVar (database versions not stated): gnomAD exomes below 0.00001.
gnomAD v4.1: 1 of 1,613,906 alleles (0.000062%); highest among the groups gnomAD compares: Non-Finnish European, 0.000085%; no homozygotes.

Submission:

Labcorp Genetics (formerly Invitae), Labcorp
Classification: Uncertain significance for Primary dilated cardiomyopathy. Last evaluated: 2022-10-18. Review status: criteria provided, single submitter. Criteria: Invitae Variant Classification Sherloc (09022015). Collection method: clinical testing. Allele origin: germline.
Comment: This variant has not been reported in the literature in individuals affected with NEBL-related conditions. This sequence change replaces alanine, which is neutral and non-polar, with threonine, which is neutral and polar, at codon 151 of the NEBL protein (p.Ala151Thr). This variant is not present in population databases (gnomAD no frequency). Algorithms developed to predict the effect of missense changes on protein structure and function are either unavailable or do not agree on the potential impact of this missense change (SIFT: "Tolerated"; PolyPhen-2: "Probably Damaging"; Align-GVGD: "Class C0"). In summary, the available evidence is currently insufficient to determine the role of this variant in disease. Therefore, it has been classified as a Variant of Uncertain Significance.